The following is an entry in ClinVar:

NM_144997.7(FLCN):c.1561T>A (p.Phe521Ile)

Gene: FLCN (folliculin; minus strand). Cytogenetic location: 17p11.2.
Variant type: single nucleotide variant.
Coding change: c.1561T>A on transcript NM_144997.7 (MANE Select); coding-DNA position 1561, T replaced by A.
Protein change: p.Phe521Ile; replaces phenylalanine 521 with isoleucine.
Molecular consequence: missense variant.
Genome position (GRCh38, 1-based): chr17:17,213,834, A>T on the plus strand (T>A on the coding strand, the complement: FLCN is on the minus strand). VCF-style: chr17-17213834-A-T. GRCh37 (hg19) VCF-style: chr17-17117148-A-T.
Other names: c.1615T>A, p.Phe539Ile (NM_001353229.2); c.1561T>A, p.Phe521Ile (NM_001353230.2, NM_001353231.2); short protein forms F521I, F539I.
Identifiers: ClinVar variation 3279034 (VCV003279034.1).

ClinVar aggregate classification (germline): Uncertain significance (1 of 4 stars; one submission).

Conditions:
Hereditary cancer-predisposing syndrome. Also called: Tumor predisposition; Hereditary Cancer Syndrome; Hereditary neoplastic syndrome; Neoplastic Syndromes, Hereditary. Identifiers: Orphanet 140162, MedGen C0027672, MeSH D009386, MONDO:0015356.

Submission:

Ambry Genetics
Classification: Uncertain significance for Hereditary cancer-predisposing syndrome. Last evaluated: 2024-05-29. Review status: criteria provided, single submitter. Criteria: Ambry Variant Classification Scheme 2023. Collection method: clinical testing. Allele origin: germline.
Comment: The p.F521I variant (also known as c.1561T>A), located in coding exon 11 of the FLCN gene, results from a T to A substitution at nucleotide position 1561. The phenylalanine at codon 521 is replaced by isoleucine, an amino acid with highly similar properties. This amino acid position is conserved. In addition, this alteration is predicted to be deleterious by in silico analysis. Based on the available evidence, the clinical significance of this variant remains unclear.